The following is an entry in ClinVar:

NM_001323289.2(CDKL5):c.1153C>T (p.Gln385Ter)

Gene: CDKL5 (cyclin dependent kinase like 5; plus strand). Cytogenetic location: Xp22.13.
Variant type: single nucleotide variant.
Coding change: c.1153C>T on transcript NM_001323289.2 (MANE Select); coding-DNA position 1153, C replaced by T.
Protein change: p.Gln385Ter; replaces glutamine 385 with a stop codon.
Molecular consequence: nonsense.
Genome position (GRCh38, 1-based): chrX:18,604,077, C>T. VCF-style: chrX-18604077-C-T. GRCh37 (hg19) VCF-style: chrX-18622197-C-T.
Other names: NM_003159.3:c.1153C>T; c.1153C>T, p.Gln385Ter (NM_001037343.2, NM_003159.3); short protein forms Q385*.
Identifiers: ClinVar variation 3602047 (VCV003602047.2).

ClinVar aggregate classification (germline): Pathogenic. Review status: criteria provided, multiple submitters, no conflicts (2 of 4 stars). 2 submissions from 2 submitters: Pathogenic (2). Last evaluated 2024-12-24.

Conditions:
Developmental and epileptic encephalopathy, 2 (DEE2). Also called: CDKL5 deficiency disorder; INFANTILE SPASM SYNDROME, X-LINKED 2. Identifiers: Orphanet 1934, Orphanet 3451, Orphanet 505652, MedGen C4750718, MONDO:0010396, OMIM 300672.
CDKL5 disorder. Identifiers: MedGen CN296942, MONDO:0100039.

Submissions (2):

Centre for Population Genomics, CPG
Classification: Pathogenic for CDKL5 disorder. Last evaluated: 2024-12-24. Review status: criteria provided, single submitter. Criteria: McKnight et al. (Hum Mutat. 2022). Collection method: curation. Allele origin: germline. Inheritance: X-linked inheritance.
Comment: This variant has been collected from RettBASE and curated to current modified ACMG/AMP criteria. Based on the classification scheme defined by the ClinGen Rett/Angelman-like Expert Panel for Rett/AS-like Disorders Specifications to the ACMG/AMP Variant Interpretation Guidelines VCEP 3.0, this variant is classified as pathogenic. At least the following criteria are met: Predicted to result in loss of function, and LOF is a known mechanism of disease (PVS1). This variant has been identified as a de novo occurrence in an individual with CDKL5 disorder without confirmation of paternity and maternity (PM6, PMID: 37193389). This variant is absent from gnomAD (PM2_Supporting).

3billion
Classification: Pathogenic for Developmental and epileptic encephalopathy, 2. Last evaluated: 2023-12-02. Review status: criteria provided, single submitter. Criteria: ACMG Guidelines, 2015. Collection method: clinical testing. Allele origin: germline. Affected: yes.
Comment: The variant is not observed in the gnomAD v2.1.1 dataset. Predicted Consequence/Location: Stop-gained (nonsense): predicted to result in a loss or disruption of normal protein function through nonsense-mediated decay (NMD) or protein truncation. Multiple pathogenic variants are reported downstream of the variant. The variant has been reported to be associated with CDKL5 related disorder (PMID: 30898514). Therefore, this variant is classified as Pathogenic according to the recommendation of ACMG/AMP guideline.

Literature cited by the submitters: PubMed 30898514 (cited by 3billion).